The following is an entry in ClinVar:

NM_022336.4(EDAR):c.813T>C (p.Asp271=)

Genes: EDAR (ectodysplasin A receptor; minus strand), RANBP2 (RAN binding protein 2; plus strand). Cytogenetic location: 2q13.
Variant type: single nucleotide variant.
Coding change: c.813T>C on transcript NM_022336.4 (MANE Select); coding-DNA position 813, T replaced by C.
Protein change: p.Asp271=; no amino-acid change (aspartic acid 271 retained).
Molecular consequence: synonymous variant.
Genome position (GRCh38, 1-based): chr2:108,908,010, A>G on the plus strand (T>C on the coding strand, the complement: EDAR is on the minus strand). VCF-style: chr2-108908010-A-G. GRCh37 (hg19) VCF-style: chr2-109524466-A-G.
Identifiers: ClinVar variation 463882 (VCV000463882.16), dbSNP rs3749098, ClinGen allele CA1824911.

ClinVar aggregate classification (germline): Benign. Review status: criteria provided, multiple submitters, no conflicts (2 of 4 stars). 4 submissions from 4 submitters: Benign (4). Last evaluated 2026-01-15.

Conditions:
Hypohidrotic ectodermal dysplasia (HED). Identifiers: Orphanet 238468, MedGen C5848103, MONDO:0016535, HP:0007607.
Autosomal recessive hypohidrotic ectodermal dysplasia syndrome. Also called: Autosomal recessive hypohidrotic ectodermal dysplasia. Identifiers: Orphanet 248, MedGen C0406702, MONDO:0016619.
Ectodermal dysplasia 10A, hypohidrotic/hair/nail type, autosomal dominant (ECTD10A). Also called: Ectodermal Dysplasia 3, Anhidrotic. Identifiers: Orphanet 1810, Orphanet 238468, MedGen C3888065, MONDO:0007509, OMIM 129490.

Allele frequency attached by ClinVar (database versions not stated): 1000 Genomes Project 0.01078; TOPMed 0.00465; ESP Exome Variant Server 0.00500; 1000 Genomes Project 30x 0.01109; gnomAD 0.00390 and 0.00473; gnomAD exomes 0.00712 and 0.00762; ExAC 0.00827.
gnomAD v4.1: 11,049 of 1,608,416 alleles (0.69%); highest among the groups gnomAD compares: East Asian, 3%; 87 homozygotes.

Submissions (4):

Labcorp Genetics (formerly Invitae), Labcorp
Classification: Benign for Ectodermal dysplasia 10A, hypohidrotic/hair/nail type, autosomal dominant; Autosomal recessive hypohidrotic ectodermal dysplasia syndrome. Last evaluated: 2026-01-15. Review status: criteria provided, single submitter. Criteria: Invitae Variant Classification Sherloc (09022015). Collection method: clinical testing. Allele origin: germline.

Illumina Laboratory Services, Illumina
Classification: Benign for Hypohidrotic ectodermal dysplasia. Last evaluated: 2018-01-12. Review status: criteria provided, single submitter. Criteria: ICSL Variant Classification Criteria 13 December 2019. Collection method: clinical testing. Allele origin: germline.
Comment: This variant was observed in the ICSL laboratory as part of a predisposition screen in an ostensibly healthy population. It had not been previously curated by ICSL or reported in the Human Gene Mutation Database (HGMD: prior to June 1st, 2018), and was therefore a candidate for classification through an automated scoring system. Utilizing variant allele frequency, disease prevalence and penetrance estimates, and inheritance mode, an automated score was calculated to assess if this variant is too frequent to cause the disease. Based on the score and internal cut-off values, a variant classified as benign is not then subjected to further curation. The score for this variant resulted in a classification of benign for this disease.

GeneDx
Classification: Benign. Last evaluated: 2015-03-03. Review status: criteria provided, single submitter. Criteria: GeneDx Variant Classification Process June 2021. Collection method: clinical testing. Allele origin: germline. Affected: yes.

Breakthrough Genomics
Classification: Benign. Review status: criteria provided, single submitter. Criteria: ACMG Guidelines, 2015. Collection method: not provided. Allele origin: germline. Inheritance: Autosomal recessive inheritance. Affected: yes.